The following is an entry in ClinVar:

ClinVar aggregate classification (germline): Likely benign. Review status: criteria provided, multiple submitters, no conflicts (2 of 4 stars). 3 submissions from 3 submitters: Likely benign (3). Last evaluated 2025-09-01.

Conditions:
Tumor predisposition syndrome 3 (TPDS3). Also called: Glioma susceptibility 9; LONG TELOMERE SYNDROME, POT1-RELATED; POT1 Tumor Predisposition; Melanoma, cutaneous malignant, susceptibility to, 10. Identifiers: Orphanet 618, MedGen C4014476, MONDO:0014368, OMIM 615848.
Hereditary cancer-predisposing syndrome. Also called: Hereditary Cancer Syndrome; Tumor predisposition; Hereditary neoplastic syndrome; Neoplastic Syndromes, Hereditary. Identifiers: Orphanet 140162, MedGen C0027672, MeSH D009386, MONDO:0015356.

Allele frequency attached by ClinVar (database versions not stated): gnomAD 0.00001 and 0.00002; ExAC 0.00002; gnomAD exomes 0.00002; 1000 Genomes Project 30x 0.00016; 1000 Genomes Project 0.00020.
gnomAD v4.1: 4 of 1,503,050 alleles (0.00027%); highest among the groups gnomAD compares: Admixed American, 0.0053%; no homozygotes.

Submissions (3):

CeGaT Center for Human Genetics Tuebingen
Classification: Likely benign. Last evaluated: 2025-09-01. Review status: criteria provided, single submitter. Criteria: CeGaT Center For Human Genetics Tuebingen Variant Classification Criteria Version 2. Collection method: clinical testing. Allele origin: germline. Affected: yes. Observed: 1 variant allele.
Comment: POT1: BP4, BP7

Labcorp Genetics (formerly Invitae), Labcorp
Classification: Likely benign for Tumor predisposition syndrome 3. Last evaluated: 2022-08-23. Review status: criteria provided, single submitter. Criteria: Invitae Variant Classification Sherloc (09022015). Collection method: clinical testing. Allele origin: germline.

Ambry Genetics
Classification: Likely benign for Hereditary cancer-predisposing syndrome. Last evaluated: 2022-04-04. Review status: criteria provided, single submitter. Criteria: Ambry Variant Classification Scheme 2023. Collection method: clinical testing. Allele origin: germline.

NM_015450.3(POT1):c.39C>T (p.Pro13=)

Gene: POT1 (protection of telomeres 1; minus strand). Cytogenetic location: 7q31.33.
Variant type: single nucleotide variant.
Coding change: c.39C>T on transcript NM_015450.3 (MANE Select); coding-DNA position 39, C replaced by T.
Protein change: p.Pro13=; no amino-acid change (proline 13 retained).
Molecular consequence: synonymous variant. On other transcripts: 5 prime UTR variant (1), non-coding transcript variant (3).
Genome position (GRCh38, 1-based): chr7:124,892,351, G>A on the plus strand (C>T on the coding strand, the complement: POT1 is on the minus strand). VCF-style: chr7-124892351-G-A. GRCh37 (hg19) VCF-style: chr7-124532405-G-A.
Other names: c.-224C>T (NM_001042594.2).
Identifiers: ClinVar variation 753709 (VCV000753709.18), dbSNP rs544201070, ClinGen allele CA4465516.